The following is an entry in ClinVar:

ClinVar aggregate classification (germline): Likely pathogenic. Review status: criteria provided, multiple submitters, no conflicts (2 of 4 stars). 3 submissions from 3 submitters: Likely pathogenic (2). 1 of the submissions does not count toward it. Last evaluated 2026-07-01.

Conditions:
Glycogen storage disease, type II (IOPD). Also called: GLYCOGENOSIS, GENERALIZED, CARDIAC FORM; GSD II; Glycogen storage disease type 2; Acid maltase deficiency disease; Aglucosidase alfa; Deficiency of alpha-glucosidase. Identifiers: Orphanet 365, MedGen C0017921, MONDO:0009290, OMIM 232300.

Allele frequency attached by ClinVar (database versions not stated): gnomAD exomes below 0.00001.
gnomAD v4.1: 1 of 1,612,144 alleles (0.000062%); highest among the groups gnomAD compares: South Asian, 0.0011%; no homozygotes.

Submissions (3):

Genomenon, Inc
Classification: Likely pathogenic for Glycogen storage disease, type II. Last evaluated: 2026-07-01. Review status: criteria provided, single submitter. Criteria: Genomenon Sequence Variant Interpretation Standards - Updated. Collection method: curation. Allele origin: germline. Affected: yes.
Comment: GAA c.1437G>A is a synonymous variant that retains Lysine at codon 479. This variant has been observed in at least one proband with a GAA-related disorder in the compound heterozygous and/or homozygous state (PMID:26873529;25243733;26160551). At least one splicing study has demonstrated that this variant results in aberrant splicing (PMID:18425781;25243733). It is absent or not present at a significant frequency in gnomAD. In conclusion, we classify GAA c.1437G>A (p.Lys479=) as a likely pathogenic variant.

Broad Center for Mendelian Genomics, Broad Institute of MIT and Harvard
Classification: Likely pathogenic for Glycogen storage disease, type II. Last evaluated: 2020-01-22. Review status: criteria provided, single submitter. Criteria: ACMG Guidelines, 2015. Collection method: curation. Allele origin: germline. Inheritance: Autosomal recessive inheritance.
Comment: This variant has been identified in 0.003% (1/30606) of South Asian chromosomes by the Genome Aggregation Database (gnomAD; dbSNP rs796051877). Although this variant has been seen in the general population, its frequency is low enough to be consistent with a recessive carrier frequency. In vitro functional studies provide some evidence that the c.1437G>A variant may impact GAA expression and splicing (PMID: 18425781, 25243733). However, these types of assays may not accurately represent biological function. This variant is located in the last three bases of the exon, which is part of the 5' splice region. Computational prediction tools and conservation analyses suggest that this variant may impact splicing, though this information is not predictive enough to determine pathogenicity. The presence of this variant in the homozygous state and in an individual with Glycogen Storage Disease II increases the likelihood that the c.1437G>A variant is pathogenic (PMID: 25243733). The phenotype of an individual homozygous for this variant is highly specific for Glycogen Storage Disease II based on abnormally low GAA activity detected in their fibroblasts (PMID: 25243733). In summary, although additional studies are required to fully establish its clinical significance, this variant is likely pathogenic. ACMG/AMP Criteria applied: PM3_Supporting, PP3, PP4, PM2, PS3_Supporting (Richards 2015).

Freeman-Sheldon Research Group, deGruyter-McKusick Institute of Health Sciences
Classification: Pathogenic for Glycogen storage disease, type II. Last evaluated: 2014-12-21. Review status: no assertion criteria provided. Criteria: clinical testing. Collection method: clinical testing. Allele origin: germline. Affected: yes. Observed: 5 variant alleles. Clinical features observed: elevated CPK enzyme levels, elevated AST and LDH levels, hypertrophic cardiomyopathy, delayed motor milestones, progressive hypotonia, dyspnoea, failure-to-thrive, cardiomegaly, patent foramen ovale, pneumonia, absent deep tendon reflexes, wide and low set pinnae, and 1 more. Not counted in ClinVar's aggregate classification.
Comment: This was a case series with an identified proband and carrier family members.

Literature cited by the submitters: PubMed 26873529 (cited by Genomenon, Inc and Broad Center for Mendelian Genomics, Broad Institute of MIT and Harvard); PubMed 25243733 (cited by Genomenon, Inc and Broad Center for Mendelian Genomics, Broad Institute of MIT and Harvard); PubMed 26160551 (cited by 3 submitters); PubMed 18425781 (cited by Genomenon, Inc and Broad Center for Mendelian Genomics, Broad Institute of MIT and Harvard).

NM_000152.5(GAA):c.1437G>A (p.Lys479=)

Gene: GAA (alpha glucosidase; plus strand). Cytogenetic location: 17q25.3.
Variant type: single nucleotide variant.
Coding change: c.1437G>A on transcript NM_000152.5 (MANE Select); coding-DNA position 1437, G replaced by A.
Protein change: p.Lys479=; no amino-acid change (lysine 479 retained).
Molecular consequence: synonymous variant.
Genome position (GRCh38, 1-based): chr17:80,110,055, G>A. VCF-style: chr17-80110055-G-A. GRCh37 (hg19) VCF-style: chr17-78083854-G-A.
Other names: c.1437G>A (LRG_673t1); c.1437G>A, p.Lys479= (NM_001079803.3, NM_001079804.3).
Identifiers: ClinVar variation 188044 (VCV000188044.4), dbSNP rs796051877, ClinGen allele CA275914.